The following is an entry in ClinVar:

ClinVar aggregate classification (germline): Uncertain significance. Review status: criteria provided, multiple submitters, no conflicts (2 of 4 stars). 2 submissions from 2 submitters: Uncertain significance (2). Last evaluated 2025-06-27.

gnomAD v4.1: 110 of 1,602,420 alleles (0.0069%); highest among the groups gnomAD compares: Admixed American, 0.0035%; 1 homozygote.

Submissions (2):

Labcorp Genetics (formerly Invitae), Labcorp
Classification: Uncertain significance. Last evaluated: 2025-06-27. Review status: criteria provided, single submitter. Criteria: Invitae Variant Classification Sherloc (09022015). Collection method: clinical testing. Allele origin: germline.
Comment: This sequence change replaces valine, which is neutral and non-polar, with isoleucine, which is neutral and non-polar, at codon 662 of the GUF1 protein (p.Val662Ile). This variant is present in population databases (rs201000026, gnomAD 0.2%), and has an allele count higher than expected for a pathogenic variant. This variant has not been reported in the literature in individuals affected with GUF1-related conditions. An algorithm developed to predict the effect of missense changes on protein structure and function (PolyPhen-2) suggests that this variant is likely to be disruptive. In summary, the available evidence is currently insufficient to determine the role of this variant in disease. Therefore, it has been classified as a Variant of Uncertain Significance.

Blueprint Genetics
Classification: Uncertain significance. Last evaluated: 2024-11-06. Review status: criteria provided, single submitter. Criteria: ACMG Guidelines, 2015. Collection method: clinical testing. Allele origin: germline.

NM_021927.3(GUF1):c.1984G>A (p.Val662Ile)

Gene: GUF1 (GTP binding elongation factor GUF1; plus strand). Cytogenetic location: 4p12.
Variant type: single nucleotide variant.
Coding change: c.1984G>A on transcript NM_021927.3 (MANE Select); coding-DNA position 1984, G replaced by A.
Protein change: p.Val662Ile; replaces valine 662 with isoleucine.
Molecular consequence: missense variant.
Genome position (GRCh38, 1-based): chr4:44,698,655, G>A. VCF-style: chr4-44698655-G-A. GRCh37 (hg19) VCF-style: chr4-44700672-G-A.
Other names: c.1012G>A, p.Val338Ile (NM_001345867.2, NM_001345869.2); c.1864G>A, p.Val622Ile (NM_001345868.2); short protein forms V338I, V662I, V622I.
Identifiers: ClinVar variation 4701508 (VCV004701508.2).